The following is an entry in ClinVar:

NM_006231.4(POLE):c.5818T>G (p.Ser1940Ala)

Gene: POLE (DNA polymerase epsilon, catalytic subunit; minus strand). Cytogenetic location: 12q24.33.
Variant type: single nucleotide variant.
Coding change: c.5818T>G on transcript NM_006231.4 (MANE Select); coding-DNA position 5818, T replaced by G.
Protein change: p.Ser1940Ala; replaces serine 1940 with alanine.
Molecular consequence: missense variant.
Genome position (GRCh38, 1-based): chr12:132,634,372, A>C on the plus strand (T>G on the coding strand, the complement: POLE is on the minus strand). VCF-style: chr12-132634372-A-C. GRCh37 (hg19) VCF-style: chr12-133210958-A-C.
Other names: short protein forms S1940A.
Identifiers: ClinVar variation 2153049 (VCV002153049.4), dbSNP rs760770350, ClinGen allele CA387371899.

ClinVar aggregate classification (germline): Uncertain significance (1 of 4 stars; one submission).

Submission:

Labcorp Genetics (formerly Invitae), Labcorp
Classification: Uncertain significance. Last evaluated: 2025-08-25. Review status: criteria provided, single submitter. Criteria: Invitae Variant Classification Sherloc (09022015). Collection method: clinical testing. Allele origin: germline.
Comment: This sequence change replaces serine, which is neutral and polar, with alanine, which is neutral and non-polar, at codon 1940 of the POLE protein (p.Ser1940Ala). This variant is not present in population databases (gnomAD no frequency). This variant has not been reported in the literature in individuals affected with POLE-related conditions. ClinVar contains an entry for this variant (Variation ID: 2153049). An algorithm developed to predict the effect of missense changes on protein structure and function (PolyPhen-2) suggests that this variant is likely to be tolerated. In summary, the available evidence is currently insufficient to determine the role of this variant in disease. Therefore, it has been classified as a Variant of Uncertain Significance.